The following is an entry in ClinVar:

ClinVar aggregate classification (germline): Pathogenic (1 of 4 stars; one submission).

Submission:

Labcorp Genetics (formerly Invitae), Labcorp
Classification: Pathogenic. Last evaluated: 2022-08-28. Review status: criteria provided, single submitter. Criteria: Invitae Variant Classification Sherloc (09022015). Collection method: clinical testing. Allele origin: unknown.
Comment: For these reasons, this variant has been classified as Pathogenic. This variant has not been reported in the literature in individuals affected with CNGB3-related conditions. This variant is a gross deletion of the genomic region encompassing exon(s) 5-6 of the CNGB3 gene. This deletion is out-of-frame, and is expected to create a premature termination codon and result in an absent or disrupted protein product. Loss-of-function variants in CNGB3 are known to be pathogenic (PMID: 28795510).

Literature cited by the submitters: PubMed 28795510.

NC_000008.10:g.(?_87679133)_(87680416_?)del

Gene: CNGB3 (cyclic nucleotide gated channel subunit beta 3; minus strand). Cytogenetic location: 8q21.3.
Variant type: Deletion.
Identifiers: ClinVar variation 3245588 (VCV003245588.1).